The following is an entry in ClinVar:

ClinVar aggregate classification (germline): Uncertain significance (1 of 4 stars; one submission).

Conditions:
Hereditary cancer-predisposing syndrome. Also called: Neoplastic Syndromes, Hereditary; Tumor predisposition; Hereditary neoplastic syndrome; Hereditary Cancer Syndrome. Identifiers: Orphanet 140162, MedGen C0027672, MeSH D009386, MONDO:0015356.

gnomAD v4.1: 2 of 1,614,176 alleles (0.00012%); highest among the groups gnomAD compares: Non-Finnish European, 0.00017%; no homozygotes.

Submission:

Ambry Genetics
Classification: Uncertain significance for Hereditary cancer-predisposing syndrome. Last evaluated: 2026-07-06. Review status: criteria provided, single submitter. Criteria: Ambry Variant Classification Scheme 2023. Collection method: clinical testing. Allele origin: germline.
Comment: The p.A557V variant (also known as c.1670C>T), located in coding exon 15 of the NF2 gene, results from a C to T substitution at nucleotide position 1670. The alanine at codon 557 is replaced by valine, an amino acid with similar properties. This amino acid position is conserved. In addition, the in silico prediction for this alteration is inconclusive. Based on the available evidence, the clinical significance of this variant remains unclear.

NM_000268.4(NF2):c.1670C>T (p.Ala557Val)

Gene: NF2 (NF2, moesin-ezrin-radixin like (MERLIN) tumor suppressor; plus strand). Cytogenetic location: 22q12.2.
Variant type: single nucleotide variant.
Coding change: c.1670C>T on transcript NM_000268.4 (MANE Select); coding-DNA position 1670, C replaced by T.
Protein change: p.Ala557Val; replaces alanine 557 with valine.
Molecular consequence: missense variant. On other transcripts: intron variant (3).
Genome position (GRCh38, 1-based): chr22:29,681,534, C>T. VCF-style: chr22-29681534-C-T. GRCh37 (hg19) VCF-style: chr22-30077523-C-T.
Other names: c.1556C>T, p.Ala519Val (NM_001407053.1, NM_001407056.1); c.1547C>T, p.Ala516Val (NM_001407054.1, NM_001407058.1, NM_181829.3); c.1544C>T, p.Ala515Val (NM_001407055.1, NM_181828.3); c.1535C>T, p.Ala512Val (NM_001407057.1, NM_001407059.1); c.1412C>T, p.Ala471Val (NM_001407062.1); c.1421C>T, p.Ala474Val (NM_001407063.1, NM_181830.3, NM_181831.3); c.1136C>T, p.Ala379Val (NM_001407065.1); c.1670C>T, p.Ala557Val (NM_001407066.1, NM_016418.5, NM_181825.3 and 1 more transcripts); and 4 more; short protein forms A471V, A557V, A516V, A480V, A512V, A515V, A519V, A379V.
Identifiers: ClinVar variation 5025694 (VCV005025694.1).